The following is an entry in ClinVar:

NM_032119.4(ADGRV1):c.14774G>T (p.Gly4925Val)

Gene: ADGRV1 (adhesion G protein-coupled receptor V1; plus strand). Cytogenetic location: 5q14.3.
Variant type: single nucleotide variant.
Coding change: c.14774G>T on transcript NM_032119.4 (MANE Select); coding-DNA position 14774, G replaced by T.
Protein change: p.Gly4925Val; replaces glycine 4925 with valine.
Molecular consequence: missense variant. On other transcripts: non-coding transcript variant (1).
Genome position (GRCh38, 1-based): chr5:90,805,396, G>T. VCF-style: chr5-90805396-G-T. GRCh37 (hg19) VCF-style: chr5-90101213-G-T.
Other names: c.14774G>T (NM_032119.3); short protein forms G4925V.
Identifiers: ClinVar variation 1485255 (VCV001485255.8), dbSNP rs895079652, ClinGen allele CA122818407.

ClinVar aggregate classification (germline): Uncertain significance. Review status: criteria provided, multiple submitters, no conflicts (2 of 4 stars). 3 submissions from 3 submitters: Uncertain significance (3). Last evaluated 2025-06-24.

Conditions:
Inborn genetic diseases. Identifiers: MedGen C0950123, MeSH D030342.

Allele frequency attached by ClinVar (database versions not stated): gnomAD 0.00001 and 0.00002; TOPMed 0.00002.
gnomAD v4.1: 9 of 1,608,828 alleles (0.00056%); highest among the groups gnomAD compares: Non-Finnish European, 0.0006%; no homozygotes.

Submissions (3):

Ambry Genetics
Classification: Uncertain significance for Inborn genetic diseases. Last evaluated: 2025-06-24. Review status: criteria provided, single submitter. Criteria: Ambry Variant Classification Scheme 2023. Collection method: clinical testing. Allele origin: germline.

Blueprint Genetics
Classification: Uncertain significance. Last evaluated: 2024-09-24. Review status: criteria provided, single submitter. Criteria: ACMG Guidelines, 2015. Collection method: clinical testing. Allele origin: germline.

Labcorp Genetics (formerly Invitae), Labcorp
Classification: Uncertain significance. Last evaluated: 2024-01-15. Review status: criteria provided, single submitter. Criteria: Invitae Variant Classification Sherloc (09022015). Collection method: clinical testing. Allele origin: germline.
Comment: This sequence change replaces glycine, which is neutral and non-polar, with valine, which is neutral and non-polar, at codon 4925 of the ADGRV1 protein (p.Gly4925Val). This variant is not present in population databases (gnomAD no frequency). This variant has not been reported in the literature in individuals affected with ADGRV1-related conditions. ClinVar contains an entry for this variant (Variation ID: 1485255). Advanced modeling of protein sequence and biophysical properties (such as structural, functional, and spatial information, amino acid conservation, physicochemical variation, residue mobility, and thermodynamic stability) performed at Invitae indicates that this missense variant is not expected to disrupt ADGRV1 protein function with a negative predictive value of 80%. In summary, the available evidence is currently insufficient to determine the role of this variant in disease. Therefore, it has been classified as a Variant of Uncertain Significance.